The following is an entry in ClinVar:

NM_000051.4(ATM):c.8011-131T>C

Genes: ATM (ATM serine/threonine kinase; plus strand), C11orf65 (chromosome 11 open reading frame 65; minus strand). Cytogenetic location: 11q22.3.
Variant type: single nucleotide variant.
Coding change: c.8011-131T>C on transcript NM_000051.4 (MANE Select); 131 bases into the intron before coding-DNA position 8011, T replaced by C.
Molecular consequence: intron variant.
Genome position (GRCh38, 1-based): chr11:108,334,838, T>C. VCF-style: chr11-108334838-T-C. GRCh37 (hg19) VCF-style: chr11-108205565-T-C.
Other names: c.*38+382A>G (NM_001351110.2); c.8011-131T>C (NM_001351834.2); c.641-25767A>G (NM_001330368.2).
Identifiers: ClinVar variation 676544 (VCV000676544.4), dbSNP rs4988135, ClinGen allele CA228420234.

ClinVar aggregate classification (germline): Likely benign. Review status: criteria provided, multiple submitters, no conflicts (2 of 4 stars). 2 submissions from 2 submitters: Likely benign (2). Last evaluated 2018-06-14.

Allele frequency attached by ClinVar (database versions not stated): 1000 Genomes Project 30x 0.00468; gnomAD 0.00854 and 0.00872; 1000 Genomes Project 0.00459; gnomAD exomes 0.01132; TOPMed 0.00847.
gnomAD v4.1: 11,793 of 1,084,940 alleles (1.1%); highest among the groups gnomAD compares: Middle Eastern, 1.9%; 89 homozygotes.

Submissions (2):

GeneDx
Classification: Likely benign. Last evaluated: 2018-06-14. Review status: criteria provided, single submitter. Criteria: GeneDx Variant Classification (06012015). Collection method: clinical testing. Allele origin: germline. Affected: yes.
Comment: This variant is considered likely benign or benign based on one or more of the following criteria: it is a conservative change, it occurs at a poorly conserved position in the protein, it is predicted to be benign by multiple in silico algorithms, and/or has population frequency not consistent with disease.

Breakthrough Genomics
Classification: Likely benign. Review status: criteria provided, single submitter. Criteria: ACMG Guidelines, 2015. Collection method: not provided. Allele origin: germline. Inheritance: Autosomal recessive inheritance. Affected: yes.